The following is an entry in ClinVar:

NM_020247.5(COQ8A):c.478C>T (p.Arg160Ter)

Gene: COQ8A (coenzyme Q8A; plus strand). Cytogenetic location: 1q42.13.
Variant type: single nucleotide variant.
Coding change: c.478C>T on transcript NM_020247.5 (MANE Select); coding-DNA position 478, C replaced by T.
Protein change: p.Arg160Ter; replaces arginine 160 with a stop codon.
Molecular consequence: nonsense.
Genome position (GRCh38, 1-based): chr1:226,965,300, C>T. VCF-style: chr1-226965300-C-T. GRCh37 (hg19) VCF-style: chr1-227153001-C-T.
Other names: short protein forms R160*.
Identifiers: ClinVar variation 1417235 (VCV001417235.8), dbSNP rs756589820, ClinGen allele CA345050434.

ClinVar aggregate classification (germline): Pathogenic/Likely pathogenic. Review status: criteria provided, multiple submitters, no conflicts (2 of 4 stars). 3 submissions from 3 submitters: Pathogenic (1); Likely pathogenic (2). Last evaluated 2025-09-04.

Conditions:
Autosomal recessive ataxia due to ubiquinone deficiency. Also called: Coenzyme Q10 deficiency, primary, 4; SPINOCEREBELLAR ATAXIA, AUTOSOMAL RECESSIVE 9. Identifiers: Orphanet 139485, MedGen C2677589, MONDO:0012784, OMIM 612016.

Allele frequency attached by ClinVar (database versions not stated): gnomAD exomes below 0.00001.
gnomAD v4.1: 6 of 1,613,880 alleles (0.00037%); highest among the groups gnomAD compares: East Asian, 0.0045%; no homozygotes.

Submissions (3):

Labcorp Genetics (formerly Invitae), Labcorp
Classification: Pathogenic. Last evaluated: 2025-09-04. Review status: criteria provided, single submitter. Criteria: Invitae Variant Classification Sherloc (09022015). Collection method: clinical testing. Allele origin: germline.
Comment: This sequence change creates a premature translational stop signal (p.Arg160*) in the COQ8A gene. It is expected to result in an absent or disrupted protein product. Loss-of-function variants in COQ8A are known to be pathogenic (PMID: 18319074, 20580948). The frequency data for this variant in the population databases is considered unreliable, as metrics indicate poor data quality at this position in the gnomAD database. This variant has not been reported in the literature in individuals affected with COQ8A-related conditions. ClinVar contains an entry for this variant (Variation ID: 1417235). For these reasons, this variant has been classified as Pathogenic.

Variantyx, Inc.
Classification: Likely pathogenic for Autosomal recessive ataxia due to ubiquinone deficiency. Last evaluated: 2025-08-26. Review status: criteria provided, single submitter. Criteria: Variantyx Assertion Criteria 2022. Collection method: clinical testing. Allele origin: germline. Inheritance: Autosomal recessive inheritance. Affected: yes.
Comment: This is a nonsense variant in the COQ8A gene (OMIM: 606980). Pathogenic variants in this gene have been associated with autosomal recessive primary coenzyme Q10 deficiency 4. This variant introduces a premature termination codon in exon 3 out of 15 and is expected to result in loss of function, which is a known disease mechanism for COQ8A in this disorder (PMID: 18319074) (PVS1). This variant has a 0.0050% maximum allele frequency in non-founder control populations (PM2). Based on the current evidence, this variant is classified as likely pathogenic for autosomal recessive primary coenzyme Q10 deficiency 4.

Juno Genomics, Hangzhou Juno Genomics, Inc
Classification: Likely pathogenic for Autosomal recessive ataxia due to ubiquinone deficiency. Review status: criteria provided, single submitter. Criteria: ACMG Guidelines, 2015. Collection method: clinical testing. Allele origin: germline.
Comment: Null variant in a gene where loss of function (LOF) is a known mechanism of disease.;Absent from controls (or at extremely low frequency if recessive) in Genome Aggregation Database.

Literature cited by the submitters: PubMed 18319074 (cited by Labcorp Genetics (formerly Invitae), Labcorp and Variantyx, Inc.); PubMed 20580948 (cited by Labcorp Genetics (formerly Invitae), Labcorp).